The following is an entry in ClinVar:

ClinVar aggregate classification (germline): Likely pathogenic (1 of 4 stars; one submission).

Conditions:
Dilated cardiomyopathy 1G (CMD1G). Identifiers: Orphanet 154, MedGen C1858763, MONDO:0011400, OMIM 604145.
Autosomal recessive limb-girdle muscular dystrophy type 2J (LGMDR10). Also called: Limb-girdle muscular dystrophy, type 2J; MUSCULAR DYSTROPHY, LIMB-GIRDLE, AUTOSOMAL RECESSIVE 10. Identifiers: Orphanet 140922, MedGen C1837342, MONDO:0012127, OMIM 608807.

Submission:

Labcorp Genetics (formerly Invitae), Labcorp
Classification: Likely pathogenic for Dilated cardiomyopathy 1G; Autosomal recessive limb-girdle muscular dystrophy type 2J. Last evaluated: 2024-10-18. Review status: criteria provided, single submitter. Criteria: Invitae Variant Classification Sherloc (09022015). Collection method: clinical testing. Allele origin: germline.
Comment: This sequence change creates a premature translational stop signal (p.Lys14180Asnfs*21) in the TTN gene. While this is not anticipated to result in nonsense mediated decay, it is expected to create a truncated TTN protein. This variant is not present in population databases (gnomAD no frequency). This variant has not been reported in the literature in individuals affected with TTN-related conditions. This variant is located in the I band of TTN (PMID: 25589632). Truncating variants in this region have been reported in individuals affected with autosomal recessive centronuclear myopathy (PMID: 23975875, internal data). Truncating variants in this region have also been identified in individuals affected with autosomal dominant dilated cardiomyopathy and/or cardio-related conditions (PMID: 27869827, 32964742, internal data). In summary, the currently available evidence indicates that the variant is pathogenic, but additional data are needed to prove that conclusively. Therefore, this variant has been classified as Likely Pathogenic.

Literature cited by the submitters: PubMed 25589632; PubMed 23975875; PubMed 27869827; PubMed 32964742.

NM_001267550.2(TTN):c.42540del (p.Lys14180fs)

Gene: TTN (titin; minus strand). Cytogenetic location: 2q31.2.
Variant type: Deletion.
Coding change: c.42540del on transcript NM_001267550.2 (MANE Select); coding-DNA position 42540, one base deleted (A; older notation c.42540delA).
Protein change: p.Lys14180fs; shifts the reading frame from lysine 14180.
Molecular consequence: frameshift variant.
Genome position (GRCh38, 1-based): chr2:178,633,959, T deleted on the plus strand (A on the coding strand, the reverse complement: TTN is on the minus strand); the first of 3 consecutive T bases (chr2:178,633,959-178,633,961); deleting any one gives the same sequence. VCF-style (leftmost placement, unchanged base first): chr2-178633958-GT-G. GRCh37 (hg19) VCF-style: chr2-179498685-GT-G.
Other names: c.37617del, p.Lys12539fs (NM_001256850.1); c.15345del, p.Lys5115fs (NM_003319.4); c.34836del, p.Lys11612fs (NM_133378.4); c.15720del, p.Lys5240fs (NM_133432.3); c.15921del, p.Lys5307fs (NM_133437.4); short protein forms K11612fs, K14180fs, K12539fs, K5240fs, K5307fs, K5115fs.
Identifiers: ClinVar variation 2949251 (VCV002949251.3), dbSNP rs2471526074, ClinGen allele CA2740096354.